The following is an entry in ClinVar:

NM_000038.6(APC):c.3875C>G (p.Thr1292Arg)

Gene: APC (APC regulator of Wnt signaling pathway; plus strand). Cytogenetic location: 5q22.2.
Variant type: single nucleotide variant.
Coding change: c.3875C>G on transcript NM_000038.6 (MANE Select); coding-DNA position 3875, C replaced by G.
Protein change: p.Thr1292Arg; replaces threonine 1292 with arginine.
Molecular consequence: missense variant.
Genome position (GRCh38, 1-based): chr5:112,839,469, C>G. VCF-style: chr5-112839469-C-G. GRCh37 (hg19) VCF-style: chr5-112175166-C-G.
Other names: c.3875C>G, p.Thr1292Arg (NM_001127510.3, NM_001354895.2, NM_001407450.1); c.3821C>G, p.Thr1274Arg (NM_001127511.3); c.3929C>G, p.Thr1310Arg (NM_001354896.2, NM_001407447.1, NM_001407448.1 and 1 more transcripts); c.3905C>G, p.Thr1302Arg (NM_001354897.2); c.3800C>G, p.Thr1267Arg (NM_001354898.2); c.3791C>G, p.Thr1264Arg (NM_001354899.2); c.3752C>G, p.Thr1251Arg (NM_001354900.2); c.3698C>G, p.Thr1233Arg (NM_001354901.2, NM_001407453.1); and 11 more; short protein forms T1209R, T1274R, T1320R, T908R, T1166R, T1201R, T1233R, T1282R.
Identifiers: ClinVar variation 1735745 (VCV001735745.5), dbSNP rs371113837, ClinGen allele CA16029837.

ClinVar aggregate classification (germline): Uncertain significance. Review status: criteria provided, multiple submitters, no conflicts (2 of 4 stars). 2 submissions from 2 submitters: Uncertain significance (2). Last evaluated 2025-03-04.

Conditions:
Hereditary cancer-predisposing syndrome. Also called: Neoplastic Syndromes, Hereditary; Tumor predisposition; Hereditary Cancer Syndrome; Hereditary neoplastic syndrome. Identifiers: Orphanet 140162, MedGen C0027672, MeSH D009386, MONDO:0015356.
Familial adenomatous polyposis 1 (FAP1). Also called: FAMILIAL ADENOMATOUS POLYPOSIS 1, ATTENUATED; POLYPOSIS, ADENOMATOUS INTESTINAL. Identifiers: MedGen C2713442, MONDO:0021056, OMIM 175100. Disease mechanism: loss of function.

Submissions (2):

Ambry Genetics
Classification: Uncertain significance for Hereditary cancer-predisposing syndrome. Last evaluated: 2025-03-04. Review status: criteria provided, single submitter. Criteria: Ambry Variant Classification Scheme 2023. Collection method: clinical testing. Allele origin: germline.
Comment: The p.T1292R variant (also known as c.3875C>G), located in coding exon 15 of the APC gene, results from a C to G substitution at nucleotide position 3875. The threonine at codon 1292 is replaced by arginine, an amino acid with similar properties. This amino acid position is conserved. In addition, in silico predictors for this gene do not accurately predict pathogenicity. Since supporting evidence is limited at this time, the clinical significance of this alteration remains unclear.

Labcorp Genetics (formerly Invitae), Labcorp
Classification: Uncertain significance for Familial adenomatous polyposis 1. Last evaluated: 2024-12-12. Review status: criteria provided, single submitter. Criteria: Invitae Variant Classification Sherloc (09022015). Collection method: clinical testing. Allele origin: germline.
Comment: This sequence change replaces threonine, which is neutral and polar, with arginine, which is basic and polar, at codon 1292 of the APC protein (p.Thr1292Arg). This variant is not present in population databases (gnomAD no frequency). This variant has not been reported in the literature in individuals affected with APC-related conditions. ClinVar contains an entry for this variant (Variation ID: 1735745). Invitae Evidence Modeling of protein sequence and biophysical properties (such as structural, functional, and spatial information, amino acid conservation, physicochemical variation, residue mobility, and thermodynamic stability) indicates that this missense variant is not expected to disrupt APC protein function with a negative predictive value of 95%. In summary, the available evidence is currently insufficient to determine the role of this variant in disease. Therefore, it has been classified as a Variant of Uncertain Significance.